The following is an entry in ClinVar:

ClinVar aggregate classification (germline): Pathogenic/Likely pathogenic. Review status: criteria provided, multiple submitters, no conflicts (2 of 4 stars). 3 submissions from 3 submitters: Pathogenic (1); Likely pathogenic (2). Last evaluated 2025-07-23.

Conditions:
Epiphyseal dysplasia, multiple, 2 (EDM2). Also called: COL9A2-Related Multiple Epiphyseal Dysplasia. Identifiers: MedGen C1838429, MONDO:0010844, OMIM 600204.
Inborn genetic diseases. Identifiers: MedGen C0950123, MeSH D030342.

Submissions (3):

Ambry Genetics
Classification: Likely pathogenic for Inborn genetic diseases. Last evaluated: 2025-07-23. Review status: criteria provided, single submitter. Criteria: Ambry Variant Classification Scheme 2023. Collection method: clinical testing. Allele origin: germline.
Comment: The c.186+1G>A intronic variant results from a G to A substitution one nucleotide(s) after coding exon 3 of the COL9A2 gene. Alterations that disrupt the canonical splice site are expected to result in aberrant splicing. A resulting transcript is predicted to be in-frame and is not expected to trigger nonsense-mediated mRNAdecay, although direct evidence is unavailable. for autosomal dominant multiple epiphyseal dysplasia; however, its clinical significance for autosomal recessive Stickler syndrome is uncertain. This variant was not reported in population-based cohorts in the Genome Aggregation Database (gnomAD). This variant was reported in individual(s) with features consistent with multiple epiphyseal dysplasia (external communication). Other variant(s) impacting the same donor site (c.186+2T>C, c.186+6T>G) have been identified in individual(s) with features consistent with multiple epiphyseal dysplasia (Muragaki, 1996; Jackson, 2012; Spayde, 2000; Daar, 2025). This nucleotide position is highly conserved in available vertebrate species. In silico splice site analysis predicts that this alteration will weaken the native splice donor site. Based on the available evidence, this alteration is classified as likely pathogenic.

Labcorp Genetics (formerly Invitae), Labcorp
Classification: Pathogenic. Last evaluated: 2025-01-15. Review status: criteria provided, single submitter. Criteria: Invitae Variant Classification Sherloc (09022015). Collection method: clinical testing. Allele origin: germline.
Comment: This sequence change affects a donor splice site in intron 3 of the COL9A2 gene. Variants that disrupt the donor or acceptor splice site typically lead to a loss of protein function (PMID: 16199547), however it is unknown whether splice variants in this region will result in a loss of function This variant is not present in population databases (gnomAD no frequency). Disruption of this splice site has been observed in individual(s) with autosomal dominant multiple epiphyseal dysplasia (PMID: 8528240, 21965141). It has also been observed to segregate with disease in related individuals. ClinVar contains an entry for this variant (Variation ID: 1999456). Algorithms developed to predict the effect of sequence changes on RNA splicing suggest that this variant may disrupt the consensus splice site. For these reasons, this variant has been classified as Pathogenic.

Clinical Biomedical Laboratory, Shriners Hospital For Children - Canada
Classification: Likely pathogenic for Epiphyseal dysplasia, multiple, 2. Review status: criteria provided, single submitter. Criteria: ACMG Guidelines, 2015. Collection method: clinical testing. Allele origin: germline. Affected: yes.
Comment: This variant is predicted to affect a canonical splice site in COL9A2. This variant is expected to disrupt RNA splicing and lead to loss of function of the affected allele. Loss-of-function variants in COL9A2 are associated with multiple epiphyseal dysplasia 2. This variant is absent from the Genome Aggregation Database (v2.1.1), indicating it is very rare. This variant has been reported in the literature (PMID 21965141). Based on the ACMG variant interpretation guidelines (criteria: PVS1, PM2, PP4), the available evidence supports classification of this variant as likely pathogenic.

Literature cited by the submitters: PubMed 8528240 (cited by Ambry Genetics and Labcorp Genetics (formerly Invitae), Labcorp); PubMed 10842095 (cited by Ambry Genetics); PubMed 21922596 (cited by Ambry Genetics); PubMed 40392407 (cited by Ambry Genetics); PubMed 16199547 (cited by Labcorp Genetics (formerly Invitae), Labcorp); PubMed 21965141 (cited by Labcorp Genetics (formerly Invitae), Labcorp).

NM_001852.4(COL9A2):c.186+1G>A

Gene: COL9A2 (collagen type IX alpha 2 chain; minus strand). Cytogenetic location: 1p34.2.
Variant type: single nucleotide variant.
Coding change: c.186+1G>A on transcript NM_001852.4 (MANE Select); the canonical splice donor site of the intron after coding-DNA position 186, G replaced by A.
Molecular consequence: splice donor variant.
Genome position (GRCh38, 1-based): chr1:40,314,351, C>T on the plus strand (G>A on the coding strand, the complement: COL9A2 is on the minus strand). VCF-style: chr1-40314351-C-T. GRCh37 (hg19) VCF-style: chr1-40780023-C-T.
Other names: c.186+1G>A (NM_001852.3).
Identifiers: ClinVar variation 1999456 (VCV001999456.5), dbSNP rs2522570520, ClinGen allele CA339858631.